The following is an entry in ClinVar:

NM_000238.4(KCNH2):c.1787C>T (p.Pro596Leu)

Gene: KCNH2 (potassium voltage-gated channel subfamily H member 2; minus strand). Cytogenetic location: 7q36.1.
Variant type: single nucleotide variant.
Coding change: c.1787C>T on transcript NM_000238.4 (MANE Select); coding-DNA position 1787, C replaced by T.
Protein change: p.Pro596Leu; replaces proline 596 with leucine.
Molecular consequence: missense variant.
Genome position (GRCh38, 1-based): chr7:150,951,606, G>A on the plus strand (C>T on the coding strand, the complement: KCNH2 is on the minus strand). VCF-style: chr7-150951606-G-A. GRCh37 (hg19) VCF-style: chr7-150648694-G-A.
Other names: c.1787C>T (LRG_288t1); c.767C>T, p.Pro256Leu (NM_001204798.2, NM_172057.3); c.1499C>T, p.Pro500Leu (NM_001406753.1, NM_001406756.1); c.1610C>T, p.Pro537Leu (NM_001406755.1); c.1487C>T, p.Pro496Leu (NM_001406757.1); c.1787C>T, p.Pro596Leu (NM_172056.3); short protein forms P256L, P596L, P496L, P500L, P537L.
Identifiers: ClinVar variation 67276 (VCV000067276.3), dbSNP rs199472933, ClinGen allele CA005502.

ClinVar aggregate classification (germline): not provided (0 of 4 stars; one submission).

Conditions:
Familial long QT syndrome (RWS). Also called: Congenital long QT syndrome; Romano-Ward syndrome; VENTRICULAR FIBRILLATION WITH PROLONGED QT INTERVAL. Identifiers: Orphanet 768, MedGen C1141890, MONDO:0019171.

Submission:

Cardiovascular Biomedical Research Unit, Royal Brompton & Harefield NHS Foundation Trust
No classification provided. Condition: Familial long QT syndrome. Review status: no classification provided. Collection method: literature only. Allele origin: germline.
Comment: This variant has been reported as associated with Long QT syndrome in the following publications (PMID:11854117;PMID:19716085). This is a literature report, and does not necessarily reflect the clinical interpretation of the Imperial College / Royal Brompton Cardiovascular Genetics laboratory.

Literature cited by the submitters: PubMed 11854117; PubMed 19716085; PubMed 22581653.